The following is an entry in ClinVar:

ClinVar aggregate classification (germline): Uncertain significance (1 of 4 stars; one submission).

Conditions:
Cowden syndrome (CS). Also called: Cowden's disease; Cowden's syndrome; Cowden disease. Identifiers: Orphanet 201, MedGen C0018553, MONDO:0016063. Disease mechanism: gain of function.

Submission:

Labcorp Genetics (formerly Invitae), Labcorp
Classification: Uncertain significance for Cowden syndrome. Last evaluated: 2022-01-28. Review status: criteria provided, single submitter. Criteria: Invitae Variant Classification Sherloc (09022015). Collection method: clinical testing. Allele origin: germline.
Comment: This sequence change creates a premature translational stop signal (p.Asn284Lysfs*7) in the PIK3CA gene. It is expected to result in an absent or disrupted protein product. However, the current clinical and genetic evidence is not sufficient to establish whether loss-of-function variants in PIK3CA cause disease. In summary, the available evidence is currently insufficient to determine the role of this variant in disease. Therefore, it has been classified as a Variant of Uncertain Significance. ClinVar contains an entry for this variant (Variation ID: 654118). This variant has not been reported in the literature in individuals affected with PIK3CA-related conditions. This variant is not present in population databases (gnomAD no frequency).

NM_006218.4(PIK3CA):c.851dup (p.Asn284fs)

Gene: PIK3CA (phosphatidylinositol-4,5-bisphosphate 3-kinase catalytic subunit alpha; plus strand). Cytogenetic location: 3q26.32.
Variant type: Duplication.
Coding change: c.851dup on transcript NM_006218.4 (MANE Select); coding-DNA position 851, one base duplicated (A; older notation c.851dupA).
Protein change: p.Asn284fs; shifts the reading frame from asparagine 284.
Molecular consequence: frameshift variant.
Genome position (GRCh38, 1-based): chr3:179,203,581, A duplicated; the last of 2 consecutive A bases (chr3:179,203,580-179,203,581); duplicating either gives the same sequence. VCF-style (leftmost placement, unchanged base first): chr3-179203579-C-CA. GRCh37 (hg19) VCF-style: chr3-178921367-C-CA.
Other names: c.851dupA (NM_006218.2); short protein forms N284fs.
Identifiers: ClinVar variation 654118 (VCV000654118.7), dbSNP rs1576934610, ClinGen allele CA915941625.